The following is an entry in ClinVar:

NM_005923.4(MAP3K5):c.123C>G (p.Gly41=)

Gene: MAP3K5 (mitogen-activated protein kinase kinase kinase 5; minus strand). Cytogenetic location: 6q23.3.
Variant type: single nucleotide variant.
Coding change: c.123C>G on transcript NM_005923.4 (MANE Select); coding-DNA position 123, C replaced by G.
Protein change: p.Gly41=; no amino-acid change (glycine 41 retained).
Molecular consequence: synonymous variant. On other transcripts: 5 prime UTR variant (1).
Genome position (GRCh38, 1-based): chr6:136,792,035, G>C on the plus strand (C>G on the coding strand, the complement: MAP3K5 is on the minus strand). VCF-style: chr6-136792035-G-C. GRCh37 (hg19) VCF-style: chr6-137113173-G-C.
Other names: c.450C>G, p.Gly150= (NM_001438058.1); c.-320C>G (NM_001438579.1).
Identifiers: ClinVar variation 4281309 (VCV004281309.7).
Genomic context (GRCh38, chr6:136,792,035, plus strand): 5'-AGCGGCGCTCTCCACGTTCCAGAAGCTGCCCGGCGGCGGCGGTGGCAGCTGGTGCTCCTC[G>C]CCCTCGCCCACCGCCGCCGCTCCTCCCCTCCTGCAGATGCCGCCCTCGGGGATGGTGCAG-3'
Protein context (NP_005914.1, residues 31-51): RRGGAAAVGE[Gly41=]EEHQLPPPPP

ClinVar aggregate classification (germline): Likely benign (1 of 4 stars; one submission).

Submission:

CeGaT Center for Human Genetics Tuebingen
Classification: Likely benign. Last evaluated: 2025-09-01. Review status: criteria provided, single submitter. Criteria: CeGaT Center For Human Genetics Tuebingen Variant Classification Criteria Version 2. Collection method: clinical testing. Allele origin: germline. Affected: yes. Observed: 1 variant allele.
Comment: MAP3K5: PM2:Supporting, BP4, BP7